The following is an entry in ClinVar:

NM_002529.4(NTRK1):c.236T>A (p.Leu79Gln)

Gene: NTRK1 (neurotrophic receptor tyrosine kinase 1; plus strand). Cytogenetic location: 1q23.1.
Variant type: single nucleotide variant.
Coding change: c.236T>A on transcript NM_002529.4 (MANE Select); coding-DNA position 236, T replaced by A.
Protein change: p.Leu79Gln; replaces leucine 79 with glutamine.
Molecular consequence: missense variant.
Genome position (GRCh38, 1-based): chr1:156,864,377, T>A. VCF-style: chr1-156864377-T-A. GRCh37 (hg19) VCF-style: chr1-156834169-T-A.
Other names: c.146T>A, p.Leu49Gln (NM_001007792.1); c.236T>A, p.Leu79Gln (NM_001012331.2); short protein forms L49Q, L79Q.
Identifiers: ClinVar variation 575483 (VCV000575483.30), dbSNP rs139140006, ClinGen allele CA1168864.

ClinVar aggregate classification (germline): Uncertain significance. Review status: criteria provided, multiple submitters, no conflicts (2 of 4 stars). 6 submissions from 6 submitters: Uncertain significance (5). 1 of the submissions does not count toward it. Last evaluated 2025-02-17.

Conditions:
Aganglionic megacolon (HSCR). Also called: Hirschsprung's disease; Hirschsprung disease. Identifiers: Orphanet 388, MedGen C0019569, MeSH D006627, MONDO:0018309, HP:0002251.
Inborn genetic diseases. Identifiers: MedGen C0950123, MeSH D030342.
Hereditary insensitivity to pain with anhidrosis (CIPA). Also called: NTRK1 Congenital Insensitivity to Pain with Anhidrosis; HSAN Type IV; INSENSITIVITY TO PAIN, CONGENITAL, WITH ANHIDROSIS; NEUROPATHY, CONGENITAL SENSORY, WITH ANHIDROSIS; FAMILIAL DYSAUTONOMIA, TYPE II; hereditary sensory and autonomic neuropathy type 4. Identifiers: Orphanet 642, MedGen C0020074, MONDO:0009746, OMIM 256800.

Allele frequency attached by ClinVar (database versions not stated): ExAC 0.00006; gnomAD exomes 0.00010 and 0.00017; ESP Exome Variant Server 0.00015; gnomAD 0.00022 and 0.00024; TOPMed 0.00027.
gnomAD v4.1: 287 of 1,614,000 alleles (0.018%); highest among the groups gnomAD compares: Admixed American, 0.043%; no homozygotes.

Submissions (6):

Regional Center For Medical Genetics Timis, Louis Turcanu Emergency Hospital for Children Timisoara
Classification: Uncertain significance for Aganglionic megacolon. Last evaluated: 2025-02-17. Review status: criteria provided, single submitter. Criteria: ACMG Guidelines, 2015. Collection method: clinical testing. Allele origin: germline. Affected: yes.
Comment: The variant is present in the reference population in a heterozygous state, with a relatively increased frequency (gnomAD v4, f = 0.0001778). In silico predictions support the pathogenicity of the variant. The variant is listed in ClinVar with uncertain significance (VCV000575483.23). In the genomic region adjacent to this variant, there is a slight intolerance to missense variants. For these reasons, the variant has been classified as of uncertain significance (VUS).

Labcorp Genetics (formerly Invitae), Labcorp
Classification: Uncertain significance for Hereditary insensitivity to pain with anhidrosis. Last evaluated: 2025-01-29. Review status: criteria provided, single submitter. Criteria: Invitae Variant Classification Sherloc (09022015). Collection method: clinical testing. Allele origin: germline.
Comment: This sequence change replaces leucine, which is neutral and non-polar, with glutamine, which is neutral and polar, at codon 79 of the NTRK1 protein (p.Leu79Gln). This variant is present in population databases (rs139140006, gnomAD 0.02%). This missense change has been observed in individual(s) with clinical features of hereditary sensory and autonomic neuropathy (internal data). ClinVar contains an entry for this variant (Variation ID: 575483). Invitae Evidence Modeling of protein sequence and biophysical properties (such as structural, functional, and spatial information, amino acid conservation, physicochemical variation, residue mobility, and thermodynamic stability) has been performed for this missense variant. However, the output from this modeling did not meet the statistical confidence thresholds required to predict the impact of this variant on NTRK1 protein function. In summary, the available evidence is currently insufficient to determine the role of this variant in disease. Therefore, it has been classified as a Variant of Uncertain Significance.

Ambry Genetics
Classification: Uncertain significance for Inborn genetic diseases. Last evaluated: 2024-12-02. Review status: criteria provided, single submitter. Criteria: Ambry Variant Classification Scheme 2023. Collection method: clinical testing. Allele origin: germline.

CeGaT Center for Human Genetics Tuebingen
Classification: Uncertain significance. Last evaluated: 2024-08-01. Review status: criteria provided, single submitter. Criteria: CeGaT Center For Human Genetics Tuebingen Variant Classification Criteria Version 2. Collection method: clinical testing. Allele origin: germline. Affected: yes. Observed: 1 variant allele.
Comment: NTRK1: PM2

Genome-Nilou Lab
Classification: Uncertain significance for Hereditary insensitivity to pain with anhidrosis. Last evaluated: 2023-04-11. Review status: criteria provided, single submitter. Criteria: ACMG Guidelines, 2015. Collection method: clinical testing. Allele origin: germline. Affected: no.

Natera, Inc.
Classification: Uncertain significance for Hereditary insensitivity to pain with anhidrosis. Last evaluated: 2020-01-16. Review status: no assertion criteria provided. Collection method: clinical testing. Allele origin: germline. Not counted in ClinVar's aggregate classification.